The following is an entry in ClinVar:

ClinVar aggregate classification (germline): Uncertain significance. Review status: criteria provided, multiple submitters, no conflicts (2 of 4 stars). 2 submissions from 2 submitters: Uncertain significance (2). Last evaluated 2025-04-06.

Conditions:
Inborn genetic diseases. Identifiers: MedGen C0950123, MeSH D030342.
Fanconi anemia complementation group A (FANCA). Also called: Fanconi anemia, group A; FANCA-Related Fanconi Anemia. Identifiers: Orphanet 84, MedGen C3469521, MONDO:0009215, OMIM 227650.

Allele frequency attached by ClinVar (database versions not stated): gnomAD 0.00001.
gnomAD v4.1: 1 of 1,613,184 alleles (0.000062%); highest among the groups gnomAD compares: Non-Finnish European, 0.000085%; no homozygotes.

Submissions (2):

Ambry Genetics
Classification: Uncertain significance for Inborn genetic diseases. Last evaluated: 2025-04-06. Review status: criteria provided, single submitter. Criteria: Ambry Variant Classification Scheme 2023. Collection method: clinical testing. Allele origin: germline.
Comment: The p.H204D variant (also known as c.610C>G), located in coding exon 7 of the FANCA gene, results from a C to G substitution at nucleotide position 610. The histidine at codon 204 is replaced by aspartic acid, an amino acid with similar properties. This amino acid position is conserved. In addition, this alteration is predicted to be tolerated by in silico analysis. Based on the available evidence, the clinical significance of this variant remains unclear.

Illumina Laboratory Services, Illumina
Classification: Uncertain significance for Fanconi anemia complementation group A. Last evaluated: 2018-03-16. Review status: criteria provided, single submitter. Criteria: ICSL Variant Classification Criteria 13 December 2019. Collection method: clinical testing. Allele origin: germline.

NM_000135.4(FANCA):c.610C>G (p.His204Asp)

Gene: FANCA (FA complementation group A; minus strand). Cytogenetic location: 16q24.3.
Variant type: single nucleotide variant.
Coding change: c.610C>G on transcript NM_000135.4 (MANE Select); coding-DNA position 610, C replaced by G.
Protein change: p.His204Asp; replaces histidine 204 with aspartic acid.
Molecular consequence: missense variant.
Genome position (GRCh38, 1-based): chr16:89,805,379, G>C on the plus strand (C>G on the coding strand, the complement: FANCA is on the minus strand). VCF-style: chr16-89805379-G-C. GRCh37 (hg19) VCF-style: chr16-89871787-G-C.
Other names: c.610C>G, p.His204Asp (NM_001018112.3, NM_001286167.3); c.514C>G, p.His172Asp (NM_001351830.2); short protein forms H204D, H172D.
Identifiers: ClinVar variation 885471 (VCV000885471.5), dbSNP rs749380996, ClinGen allele CA397478221.